The following is an entry in ClinVar:

NM_000063.6(C2):c.1902+3G>A

Gene: C2 (complement C2; plus strand). Cytogenetic location: 6p21.33.
Variant type: single nucleotide variant.
Coding change: c.1902+3G>A on transcript NM_000063.6 (MANE Select); 3 bases into the intron after coding-DNA position 1902, G replaced by A.
Molecular consequence: intron variant.
Genome position (GRCh38, 1-based): chr6:31,944,229, G>A. VCF-style: chr6-31944229-G-A. GRCh37 (hg19) VCF-style: chr6-31912006-G-A.
Other names: c.1164+3G>A (NM_001282457.2); c.1260+3G>A (NM_001178063.3); c.1815+3G>A (NM_001282458.2); c.1506+3G>A (NM_001145903.3).
Identifiers: ClinVar variation 1467039 (VCV001467039.4), dbSNP rs1191010788, ClinGen allele CA566364511.

ClinVar aggregate classification (germline): Conflicting classifications of pathogenicity. Review status: criteria provided, conflicting classifications (1 of 4 stars). 2 submissions from 2 submitters: Uncertain significance (1); Likely benign (1). Last evaluated 2024-09-16.

Allele frequency attached by ClinVar (database versions not stated): gnomAD exomes 0.00001 and 0.00002; gnomAD 0.00003; TOPMed 0.00004.
gnomAD v4.1: 8 of 1,599,496 alleles (0.0005%); highest among the groups gnomAD compares: African/African-American, 0.004%; no homozygotes.

Submissions (2):

Blueprint Genetics
Classification: Likely benign. Last evaluated: 2024-09-16. Review status: criteria provided, single submitter. Criteria: ACMG Guidelines, 2015. Collection method: clinical testing. Allele origin: germline.

Labcorp Genetics (formerly Invitae), Labcorp
Classification: Uncertain significance. Last evaluated: 2022-05-21. Review status: criteria provided, single submitter. Criteria: Invitae Variant Classification Sherloc (09022015). Collection method: clinical testing. Allele origin: germline.
Comment: This sequence change falls in intron 15 of the C2 gene. It does not directly change the encoded amino acid sequence of the C2 protein. It affects a nucleotide within the consensus splice site. This variant is present in population databases (no rsID available, gnomAD 0.002%). This variant has not been reported in the literature in individuals affected with C2-related conditions. Variants that disrupt the consensus splice site are a relatively common cause of aberrant splicing (PMID: 17576681, 9536098). Algorithms developed to predict the effect of sequence changes on RNA splicing suggest that this variant is not likely to affect RNA splicing. In summary, the available evidence is currently insufficient to determine the role of this variant in disease. Therefore, it has been classified as a Variant of Uncertain Significance.

Literature cited by the submitters: PubMed 17576681 (cited by Labcorp Genetics (formerly Invitae), Labcorp); PubMed 9536098 (cited by Labcorp Genetics (formerly Invitae), Labcorp).